The following is an entry in ClinVar:

ClinVar aggregate classification (germline): Uncertain significance (1 of 4 stars; one submission).

Conditions:
Cardiovascular phenotype. Identifiers: MedGen CN230736.
Hereditary cancer-predisposing syndrome. Also called: Neoplastic Syndromes, Hereditary; Tumor predisposition; Hereditary Cancer Syndrome; Hereditary neoplastic syndrome. Identifiers: Orphanet 140162, MedGen C0027672, MeSH D009386, MONDO:0015356.

Submission:

Ambry Genetics
Classification: Uncertain significance for Cardiovascular phenotype; Hereditary cancer-predisposing syndrome. Last evaluated: 2026-04-02. Review status: criteria provided, single submitter. Criteria: Ambry Variant Classification Scheme 2023. Collection method: clinical testing. Allele origin: germline.
Comment: The p.I1958K variant (also known as c.5873T>A), located in coding exon 39 of the NF1 gene, results from a T to A substitution at nucleotide position 5873. The isoleucine at codon 1958 is replaced by lysine, an amino acid with dissimilar properties. This amino acid position is highly conserved in available vertebrate species. In addition, this alteration is predicted to be deleterious by in silico analysis. Based on the available evidence, the clinical significance of this variant remains unclear.

NM_001042492.3(NF1):c.5936T>A (p.Ile1979Lys)

Gene: NF1 (neurofibromin 1; plus strand). Cytogenetic location: 17q11.2.
Variant type: single nucleotide variant.
Coding change: c.5936T>A on transcript NM_001042492.3 (MANE Select); coding-DNA position 5936, T replaced by A.
Protein change: p.Ile1979Lys; replaces isoleucine 1979 with lysine.
Molecular consequence: missense variant.
Genome position (GRCh38, 1-based): chr17:31,334,961, T>A. VCF-style: chr17-31334961-T-A. GRCh37 (hg19) VCF-style: chr17-29661979-T-A.
Other names: c.5873T>A, p.Ile1958Lys (NM_000267.4); short protein forms I1958K, I1979K.
Identifiers: ClinVar variation 4860890 (VCV004860890.1).
Genomic context (GRCh38, chr17:31,334,961, plus strand): 5'-TTTGCAAGCATAATGATGATGCCAAACGACAAAGAGTTACTGCTATTCTTGACAAGCTGA[T>A]AACAATGACCATCAATGAAAAACAGATGTACCCATCTATTCAAGCAAAAATATGGGGAAG-3'
Protein context (NP_001035957.1, residues 1969-1989): QRVTAILDKL[Ile1979Lys]TMTINEKQMY